The following is an entry in ClinVar:

NM_000057.4(BLM):c.2768G>C (p.Ser923Thr)

Gene: BLM (BLM RecQ like helicase; plus strand). Cytogenetic location: 15q26.1.
Variant type: single nucleotide variant.
Coding change: c.2768G>C on transcript NM_000057.4 (MANE Select); coding-DNA position 2768, G replaced by C.
Protein change: p.Ser923Thr; replaces serine 923 with threonine.
Molecular consequence: missense variant.
Genome position (GRCh38, 1-based): chr15:90,785,026, G>C. VCF-style: chr15-90785026-G-C. GRCh37 (hg19) VCF-style: chr15-91328256-G-C.
Other names: c.2768G>C, p.Ser923Thr (NM_001287246.2, NM_001287247.2); c.1643G>C, p.Ser548Thr (NM_001287248.2); short protein forms S923T, S548T.
Identifiers: ClinVar variation 524812 (VCV000524812.9), dbSNP rs1219485932, ClinGen allele CA393846067.

ClinVar aggregate classification (germline): Uncertain significance (1 of 4 stars; one submission).

Conditions:
Bloom syndrome (BLM). Also called: Bloom-Torre-Machacek syndrome. Identifiers: Orphanet 125, MedGen C0005859, MONDO:0008876, OMIM 210900.

Allele frequency attached by ClinVar (database versions not stated): TOPMed below 0.00001.

Submission:

Labcorp Genetics (formerly Invitae), Labcorp
Classification: Uncertain significance for Bloom syndrome. Last evaluated: 2022-01-06. Review status: criteria provided, single submitter. Criteria: Invitae Variant Classification Sherloc (09022015). Collection method: clinical testing. Allele origin: germline.
Comment: ClinVar contains an entry for this variant (Variation ID: 524812). This variant has not been reported in the literature in individuals affected with BLM-related conditions. This variant is not present in population databases (gnomAD no frequency). This sequence change replaces serine, which is neutral and polar, with threonine, which is neutral and polar, at codon 923 of the BLM protein (p.Ser923Thr). Algorithms developed to predict the effect of missense changes on protein structure and function (SIFT, PolyPhen-2, Align-GVGD) all suggest that this variant is likely to be tolerated. In summary, the available evidence is currently insufficient to determine the role of this variant in disease. Therefore, it has been classified as a Variant of Uncertain Significance.